The following is an entry in ClinVar:

NM_001792.5(CDH2):c.2162G>T (p.Gly721Val)

Gene: CDH2 (cadherin 2; minus strand). Cytogenetic location: 18q12.1.
Variant type: single nucleotide variant.
Coding change: c.2162G>T on transcript NM_001792.5 (MANE Select); coding-DNA position 2162, G replaced by T.
Protein change: p.Gly721Val; replaces glycine 721 with valine.
Molecular consequence: missense variant.
Genome position (GRCh38, 1-based): chr18:27,985,047, C>A on the plus strand (G>T on the coding strand, the complement: CDH2 is on the minus strand). VCF-style: chr18-27985047-C-A. GRCh37 (hg19) VCF-style: chr18-25565011-C-A.
Other names: c.2069G>T, p.Gly690Val (NM_001308176.2); short protein forms G690V, G721V.
Identifiers: ClinVar variation 4868422 (VCV004868422.1).

ClinVar aggregate classification (germline): Uncertain significance (1 of 4 stars; one submission).

Conditions:
Inborn genetic diseases. Identifiers: MedGen C0950123, MeSH D030342.

Submission:

Ambry Genetics
Classification: Uncertain significance for Inborn genetic diseases. Last evaluated: 2026-04-09. Review status: criteria provided, single submitter. Criteria: Ambry Variant Classification Scheme 2023. Collection method: clinical testing. Allele origin: germline.
Comment: The p.G721V variant (also known as c.2162G>T), located in coding exon 13 of the CDH2 gene, results from a G to T substitution at nucleotide position 2162. The glycine at codon 721 is replaced by valine, an amino acid with dissimilar properties. This amino acid position is conserved. In addition, this alteration is predicted to be deleterious by in silico analysis. Based on the available evidence, the clinical significance of this variant remains unclear.